The following is an entry in ClinVar:

NM_001844.5(COL2A1):c.2050-49G>T

Gene: COL2A1 (collagen type II alpha 1 chain; minus strand). Cytogenetic location: 12q13.11.
Variant type: single nucleotide variant.
Coding change: c.2050-49G>T on transcript NM_001844.5 (MANE Select); 49 bases into the intron before coding-DNA position 2050, G replaced by T.
Molecular consequence: intron variant.
Genome position (GRCh38, 1-based): chr12:47,983,186, C>A on the plus strand (G>T on the coding strand, the complement: COL2A1 is on the minus strand). VCF-style: chr12-47983186-C-A. GRCh37 (hg19) VCF-style: chr12-48376969-C-A.
Other names: c.1843-49G>T (NM_033150.3).
Identifiers: ClinVar variation 258221 (VCV000258221.3), dbSNP rs11168338, ClinGen allele CA6535267.
Genomic context (GRCh38, chr12:47,983,186, plus strand): 5'-ACCGGGAACACCCTGGAGAACAAAGAAAGATGTGTGAGAGTGAAGGCTTCATATCACAGA[C>A]CCCTGAACAATTCTCCACAGCAGGGCTGAATATCACTCCTCCCATGGGGGATTGTGTCAT-3'

ClinVar aggregate classification (germline): Benign. Review status: criteria provided, multiple submitters, no conflicts (2 of 4 stars). 3 submissions from 3 submitters: Benign (3). Last evaluated 2018-06-19.

Allele frequency attached by ClinVar (database versions not stated): ExAC 0.28781; 1000 Genomes Project 30x 0.15334; 1000 Genomes Project 0.15675; TOPMed 0.23249; gnomAD 0.24394 and 0.24535; ESP Exome Variant Server 0.25000.
gnomAD v4.1: 499,901 of 1,592,990 alleles (31%); highest among the groups gnomAD compares: Non-Finnish European, 35%; 83,925 homozygotes.

Submissions (3):

GeneDx
Classification: Benign. Last evaluated: 2018-06-19. Review status: criteria provided, single submitter. Criteria: GeneDx Variant Classification (06012015). Collection method: clinical testing. Allele origin: germline. Affected: yes.
Comment: This variant is considered likely benign or benign based on one or more of the following criteria: it is a conservative change, it occurs at a poorly conserved position in the protein, it is predicted to be benign by multiple in silico algorithms, and/or has population frequency not consistent with disease.

Breakthrough Genomics
Classification: Benign. Review status: criteria provided, single submitter. Criteria: ACMG Guidelines, 2015. Collection method: not provided. Allele origin: germline. Inheritance: Autosomal dominant inheritance. Affected: yes.

PreventionGenetics, part of Exact Sciences
Classification: Benign. Review status: criteria provided, single submitter. Criteria: ACMG Guidelines, 2015. Collection method: clinical testing. Allele origin: germline.